The following is an entry in ClinVar:

ClinVar aggregate classification (germline): Uncertain significance (1 of 4 stars; one submission).

Conditions:
Hyperaldosteronism, familial, type IV (HALD4). Also called: FH IV; ALDOSTERONISM, PRIMARY, AND HYPERTENSION. Identifiers: Orphanet 642671, MedGen C4310756, MONDO:0014875, OMIM 617027.
Idiopathic generalized epilepsy. Also called: EIG; Generalised epilepsy. Identifiers: MedGen C0270850, MONDO:0005579, OMIM 600669.

Allele frequency attached by ClinVar (database versions not stated): gnomAD 0.00001.
gnomAD v4.1: 7 of 1,583,684 alleles (0.00044%); highest among the groups gnomAD compares: Middle Eastern, 0.017%; no homozygotes.

Submission:

Labcorp Genetics (formerly Invitae), Labcorp
Classification: Uncertain significance for Idiopathic generalized epilepsy; Hyperaldosteronism, familial, type IV. Last evaluated: 2023-08-02. Review status: criteria provided, single submitter. Criteria: Invitae Variant Classification Sherloc (09022015). Collection method: clinical testing. Allele origin: germline.
Comment: This sequence change falls in intron 15 of the CACNA1H gene. It does not directly change the encoded amino acid sequence of the CACNA1H protein. It affects a nucleotide within the consensus splice site. In summary, the available evidence is currently insufficient to determine the role of this variant in disease. Therefore, it has been classified as a Variant of Uncertain Significance. Variants that disrupt the consensus splice site are a relatively common cause of aberrant splicing (PMID: 17576681, 9536098). Algorithms developed to predict the effect of sequence changes on RNA splicing suggest that this variant is not likely to affect RNA splicing. This variant has not been reported in the literature in individuals affected with CACNA1H-related conditions. This variant is present in population databases (rs775520795, gnomAD 0.007%).

Literature cited by the submitters: PubMed 17576681; PubMed 9536098.

NM_021098.3(CACNA1H):c.3154+4C>G

Gene: CACNA1H (calcium voltage-gated channel subunit alpha1 H; plus strand). Cytogenetic location: 16p13.3.
Variant type: single nucleotide variant.
Coding change: c.3154+4C>G on transcript NM_021098.3 (MANE Select); 4 bases into the intron after coding-DNA position 3154, C replaced by G.
Molecular consequence: intron variant.
Genome position (GRCh38, 1-based): chr16:1,207,864, C>G. VCF-style: chr16-1207864-C-G. GRCh37 (hg19) VCF-style: chr16-1257864-C-G.
Other names: c.3154+4C>G (NM_001005407.2).
Identifiers: ClinVar variation 2933001 (VCV002933001.3), dbSNP rs775520795, ClinGen allele CA7800633.